The following is an entry in ClinVar:

NM_032816.5(CEP89):c.1847C>T (p.Thr616Ile)

Gene: CEP89 (centrosomal protein 89; minus strand). Cytogenetic location: 19q13.11.
Variant type: single nucleotide variant.
Coding change: c.1847C>T on transcript NM_032816.5 (MANE Select); coding-DNA position 1847, C replaced by T.
Protein change: p.Thr616Ile; replaces threonine 616 with isoleucine.
Molecular consequence: missense variant.
Genome position (GRCh38, 1-based): chr19:32,899,885, G>A on the plus strand (C>T on the coding strand, the complement: CEP89 is on the minus strand). VCF-style: chr19-32899885-G-A. GRCh37 (hg19) VCF-style: chr19-33390791-G-A.
Other names: short protein forms T616I.
Identifiers: ClinVar variation 2892408 (VCV002892408.3), dbSNP rs767119647, ClinGen allele CA9359158.

ClinVar aggregate classification (germline): Uncertain significance (1 of 4 stars; one submission).

Allele frequency attached by ClinVar (database versions not stated): ExAC 0.00002.
gnomAD v4.1: 4 of 1,613,912 alleles (0.00025%); highest among the groups gnomAD compares: Admixed American, 0.0067%; no homozygotes.

Submission:

Labcorp Genetics (formerly Invitae), Labcorp
Classification: Uncertain significance. Last evaluated: 2023-03-20. Review status: criteria provided, single submitter. Criteria: Invitae Variant Classification Sherloc (09022015). Collection method: clinical testing. Allele origin: germline.
Comment: This sequence change replaces threonine, which is neutral and polar, with isoleucine, which is neutral and non-polar, at codon 616 of the CEP89 protein (p.Thr616Ile). This variant is present in population databases (rs767119647, gnomAD 0.009%). This variant has not been reported in the literature in individuals affected with CEP89-related conditions. An algorithm developed to predict the effect of missense changes on protein structure and function (PolyPhen-2) suggests that this variant is likely to be disruptive. In summary, the available evidence is currently insufficient to determine the role of this variant in disease. Therefore, it has been classified as a Variant of Uncertain Significance.